The following is an entry in ClinVar:

NM_001083961.2(WDR62):c.1483G>C (p.Val495Leu)

Gene: WDR62 (WD repeat domain 62; plus strand). Cytogenetic location: 19q13.12.
Variant type: single nucleotide variant.
Coding change: c.1483G>C on transcript NM_001083961.2 (MANE Select); coding-DNA position 1483, G replaced by C.
Protein change: p.Val495Leu; replaces valine 495 with leucine.
Molecular consequence: missense variant.
Genome position (GRCh38, 1-based): chr19:36,083,174, G>C. VCF-style: chr19-36083174-G-C. GRCh37 (hg19) VCF-style: chr19-36574076-G-C.
Other names: c.1483G>C, p.Val495Leu (NM_173636.5); short protein forms V495L.
Identifiers: ClinVar variation 1515713 (VCV001515713.8), dbSNP rs1184841925, ClinGen allele CA405437381.

ClinVar aggregate classification (germline): Uncertain significance (1 of 4 stars; one submission).

Submission:

Labcorp Genetics (formerly Invitae), Labcorp
Classification: Uncertain significance. Last evaluated: 2021-02-19. Review status: criteria provided, single submitter. Criteria: Invitae Variant Classification Sherloc (09022015). Collection method: clinical testing. Allele origin: germline.
Comment: This sequence change replaces valine with leucine at codon 495 of the WDR62 protein (p.Val495Leu). The valine residue is moderately conserved and there is a small physicochemical difference between valine and leucine. In summary, the available evidence is currently insufficient to determine the role of this variant in disease. Therefore, it has been classified as a Variant of Uncertain Significance. Algorithms developed to predict the effect of missense changes on protein structure and function are either unavailable or do not agree on the potential impact of this missense change (SIFT: "Deleterious"; PolyPhen-2: "Possibly Damaging"; Align-GVGD: "Class C0"). This variant has not been reported in the literature in individuals with WDR62-related conditions. This variant is not present in population databases (ExAC no frequency).